The following is an entry in ClinVar:

NM_000174.5(GP9):c.285T>G (p.Tyr95Ter)

Gene: GP9 (glycoprotein IX platelet; plus strand). Cytogenetic location: 3q21.3.
Variant type: single nucleotide variant.
Coding change: c.285T>G on transcript NM_000174.5 (MANE Select); coding-DNA position 285, T replaced by G.
Protein change: p.Tyr95Ter; replaces tyrosine 95 with a stop codon.
Molecular consequence: nonsense.
Genome position (GRCh38, 1-based): chr3:129,062,024, T>G. VCF-style: chr3-129062024-T-G. GRCh37 (hg19) VCF-style: chr3-128780867-T-G.
Other names: NM_000174.5:c.285T>G; short protein forms Y95*.
Identifiers: ClinVar variation 4539008 (VCV004539008.1).

ClinVar aggregate classification (germline): Likely pathogenic (3 of 4 stars; one submission).

Conditions:
Bernard Soulier syndrome (BSS). Also called: GLYCOPROTEIN Ib, PLATELET, DEFICIENCY OF; PLATELET GLYCOPROTEIN Ib DEFICIENCY; VON WILLEBRAND FACTOR RECEPTOR DEFICIENCY; Giant platelet syndrome; Hemorrhagiparous thrombocytic dystrophy; Giant platelet disease. Identifiers: Orphanet 274, MedGen C0005129, MeSH D001606, MONDO:0009276, OMIM 231200.

Submission:

ClinGen Platelet Disorders Variant Curation Expert Panel, ClinGen
Classification: Likely pathogenic for Bernard Soulier syndrome. Last evaluated: 2025-11-06. Review status: reviewed by expert panel. Criteria: ClinGen Platelet ACMG Specifications GP9 V1.0.0. Collection method: curation. Allele origin: germline. Inheritance: Autosomal recessive inheritance.
Comment: The c.285T>G (p.Tyr95Ter) variant in GP9 is a nonsense variant that may cause loss of function of the protein, however it is predicted to escape nonsense mediated decay and remove >10% of the protein (PVS1_Strong). At least one patient (Patient BSS15.01 in PMID: 23995613) with this variant had aggregation absent for ristocetin and present for all other agonists as well as less than 10% expression of GPIba and GP9 measured by flow cytometry, which is highly specific for Bernard-Soulier syndrome. Additionally, the patient had excessive mucocutaneous bleeding and macrothrombocytopenia which are consistent with Bernard-Soulier syndrome (PP4). This variant is absent from gnomAD v4.1.0 (PM2_Supporting). In summary, this variant meets the criteria to be classified as Likely Pathogenic for autosomal recessive Bernard-Soulier syndrome based on the ACMG/AMP criteria applied, as specified by the ClinGen PD VCEP: PVS1_Strong, PP4, PM3_Supporting, and PM2_Supporting (VCEP specifications version 1).